The following is an entry in ClinVar:

NM_153252.5(BRWD3):c.3152-5T>A

Gene: BRWD3 (bromodomain and WD repeat domain containing 3; minus strand). Cytogenetic location: Xq21.1.
Variant type: single nucleotide variant.
Coding change: c.3152-5T>A on transcript NM_153252.5 (MANE Select); 5 bases into the intron before coding-DNA position 3152, T replaced by A.
Molecular consequence: intron variant.
Genome position (GRCh38, 1-based): chrX:80,693,056, A>T on the plus strand (T>A on the coding strand, the complement: BRWD3 is on the minus strand). VCF-style: chrX-80693056-A-T. GRCh37 (hg19) VCF-style: chrX-79948555-A-T.
Identifiers: ClinVar variation 3766007 (VCV003766007.1).

ClinVar aggregate classification (germline): Uncertain significance (1 of 4 stars; one submission).

Submission:

GeneDx
Classification: Uncertain significance. Last evaluated: 2024-08-30. Review status: criteria provided, single submitter. Criteria: GeneDx Variant Classification Process June 2021. Collection method: clinical testing. Allele origin: germline. Affected: yes.
Comment: Not observed at significant frequency in large population cohorts (gnomAD); In silico analysis supports a deleterious effect on splicing; Has not been previously published as pathogenic or benign to our knowledge